The following is an entry in ClinVar:

ClinVar aggregate classification (germline): Uncertain significance. Review status: criteria provided, multiple submitters, no conflicts (2 of 4 stars). 2 submissions from 2 submitters: Uncertain significance (2). Last evaluated 2023-07-10.

Submissions (2):

GeneDx
Classification: Uncertain significance. Last evaluated: 2023-07-10. Review status: criteria provided, single submitter. Criteria: GeneDx Variant Classification Process June 2021. Collection method: clinical testing. Allele origin: germline. Affected: yes.
Comment: Not observed at significant frequency in large population cohorts (gnomAD); In silico analysis supports that this missense variant has a deleterious effect on protein structure/function; Has not been previously published as pathogenic or benign to our knowledge

AiLife Diagnostics
Classification: Uncertain significance. Last evaluated: 2021-11-21. Review status: criteria provided, single submitter. Criteria: ACMG Guidelines, 2015. Collection method: clinical testing. Allele origin: germline. Affected: yes. Observed: 1 variant allele.

NM_005188.4(CBL):c.1078C>T (p.His360Tyr)

Gene: CBL (Cbl proto-oncogene; plus strand). Cytogenetic location: 11q23.3.
Variant type: single nucleotide variant.
Coding change: c.1078C>T on transcript NM_005188.4 (MANE Select); coding-DNA position 1078, C replaced by T.
Protein change: p.His360Tyr; replaces histidine 360 with tyrosine.
Molecular consequence: missense variant.
Genome position (GRCh38, 1-based): chr11:119,277,827, C>T. VCF-style: chr11-119277827-C-T. GRCh37 (hg19) VCF-style: chr11-119148537-C-T.
Other names: c.1078C>T (NM_005188.2); short protein forms H360Y.
Identifiers: ClinVar variation 1677649 (VCV001677649.2), dbSNP rs933954615, ClinGen allele CA229661723.